The following is an entry in ClinVar:

ClinVar aggregate classification (germline): Pathogenic (1 of 4 stars; one submission).

Conditions:
Familial cancer of breast. Also called: BREAST CANCER, FAMILIAL; Hereditary breast cancer; hereditary breast carcinoma. Identifiers: Orphanet 227535, MedGen C0346153, MONDO:0016419, OMIM 114480. Disease mechanism: loss of function.

Submission:

Myriad Genetics, Inc.
Classification: Pathogenic for Familial cancer of breast. Last evaluated: 2026-09-29. Review status: criteria provided, single submitter. Criteria: Myriad Autosomal Dominant, Autosomal Recessive and X-Linked Classification Criteria (2023). Collection method: clinical testing. Allele origin: unknown.
Comment: This variant is considered pathogenic. This variant creates a frameshift predicted to result in premature protein truncation.

NM_024675.4(PALB2):c.3439dup (p.Cys1147fs)

Gene: PALB2 (partner and localizer of BRCA2; minus strand). Cytogenetic location: 16p12.2.
Variant type: Duplication.
Coding change: c.3439dup on transcript NM_024675.4 (MANE Select); coding-DNA position 3439, one base duplicated (T; older notation c.3439dupT).
Protein change: p.Cys1147fs; shifts the reading frame from cysteine 1147.
Molecular consequence: frameshift variant. On other transcripts: 3 prime UTR variant (5).
Genome position (GRCh38, 1-based): chr16:23,603,581, A duplicated on the plus strand (T on the coding strand, the reverse complement: PALB2 is on the minus strand). VCF-style (leftmost placement, unchanged base first): chr16-23603580-C-CA. GRCh37 (hg19) VCF-style: chr16-23614901-C-CA.
Other names: c.3379dup, p.Cys1127fs (NM_001407296.1); c.3367dup, p.Cys1123fs (NM_001407297.1); c.3277dup, p.Cys1093fs (NM_001407298.1); c.3202dup, p.Cys1068fs (NM_001407299.1); c.3160dup, p.Cys1054fs (NM_001407300.1); c.*74dup (NM_001407301.1, NM_001407302.1, NM_001407310.1 and 2 more transcripts); c.2554dup, p.Cys852fs (NM_001407304.1, NM_001407305.1, NM_001407306.1); c.2392dup, p.Cys798fs (NM_001407307.1); and 3 more; short protein forms C1054fs, C1068fs, C1093fs, C1123fs, C1127fs, C1147fs, C325fs, C551fs.
Identifiers: ClinVar variation 5042305 (VCV005042305.1).